The following is an entry in ClinVar:

NM_018489.3(ASH1L):c.3761G>C (p.Arg1254Pro)

Gene: ASH1L (ASH1 like histone lysine methyltransferase; minus strand). Cytogenetic location: 1q22.
Variant type: single nucleotide variant.
Coding change: c.3761G>C on transcript NM_018489.3 (MANE Select); coding-DNA position 3761, G replaced by C.
Protein change: p.Arg1254Pro; replaces arginine 1254 with proline.
Molecular consequence: missense variant.
Genome position (GRCh38, 1-based): chr1:155,479,109, C>G on the plus strand (G>C on the coding strand, the complement: ASH1L is on the minus strand). VCF-style: chr1-155479109-C-G. GRCh37 (hg19) VCF-style: chr1-155448900-C-G.
Other names: c.3761G>C, p.Arg1254Pro (NM_001366177.2); short protein forms R1254P.
Identifiers: ClinVar variation 3357286 (VCV003357286.1).

ClinVar aggregate classification (germline): Uncertain significance (0 of 4 stars; one submission).

Conditions:
ASH1L-related disorder. Also called: ASH1L-related condition.

gnomAD v4.1: 1 of 1,613,946 alleles (0.000062%); highest among the groups gnomAD compares: Non-Finnish European, 0.000085%; no homozygotes.

Submission:

PreventionGenetics, part of Exact Sciences
Classification: Uncertain significance for ASH1L-related condition. Last evaluated: 2024-03-12. Review status: no assertion criteria provided. Collection method: clinical testing. Allele origin: germline.
Comment: The ASH1L c.3761G>C variant is predicted to result in the amino acid substitution p.Arg1254Pro. To our knowledge, this variant has not been reported in the literature. This variant is reported in 0.00088% of alleles in individuals of European (Non-Finnish) descent in gnomAD. At this time, the clinical significance of this variant is uncertain due to the absence of conclusive functional and genetic evidence.